The following is an entry in ClinVar:

ClinVar aggregate classification (germline): Pathogenic (1 of 4 stars; one submission).

gnomAD v4.1: 2 of 1,311,678 alleles (0.00015%); highest among the groups gnomAD compares: East Asian, 0.0043%; no homozygotes.

Submission:

Labcorp Genetics (formerly Invitae), Labcorp
Classification: Pathogenic. Last evaluated: 2025-09-27. Review status: criteria provided, single submitter. Criteria: Invitae Variant Classification Sherloc (09022015). Collection method: clinical testing. Allele origin: germline.
Comment: This sequence change affects an acceptor splice site in intron 9 of the SLC34A3 gene. It is expected to disrupt RNA splicing. Variants that disrupt the donor or acceptor splice site typically lead to a loss of protein function (PMID: 16199547), and loss-of-function variants in SLC34A3 are known to be pathogenic (PMID: 16358214, 16358215, 22159077). This variant is not present in population databases (gnomAD no frequency). Disruption of this splice site has been observed in individual(s) with hypophosphatemic rickets (PMID: 31672324). It has also been observed to segregate with disease in related individuals. Algorithms developed to predict the effect of sequence changes on RNA splicing suggest that this variant may disrupt the consensus splice site. For these reasons, this variant has been classified as Pathogenic.

Literature cited by the submitters: PubMed 16199547; PubMed 16358214; PubMed 16358215; PubMed 22159077; PubMed 31672324.

NM_001177316.2(SLC34A3):c.926-1G>A

Gene: SLC34A3 (solute carrier family 34 member 3; plus strand). Cytogenetic location: 9q34.3.
Variant type: single nucleotide variant.
Coding change: c.926-1G>A on transcript NM_001177316.2 (MANE Select); the canonical splice acceptor site of the intron before coding-DNA position 926, G replaced by A.
Molecular consequence: splice acceptor variant.
Genome position (GRCh38, 1-based): chr9:137,234,108, G>A. VCF-style: chr9-137234108-G-A. GRCh37 (hg19) VCF-style: chr9-140128560-G-A.
Other names: c.926-1G>A (NM_001177317.2, NM_080877.3).
Identifiers: ClinVar variation 4710329 (VCV004710329.1).